The following is an entry in ClinVar:

NC_000009.12:g.(?_132896235)_(132945143_?)dup

Gene: TSC1 (TSC complex subunit 1; minus strand). Cytogenetic location: 9q34.13.
Variant type: Duplication.
Identifiers: ClinVar variation 833224 (VCV000833224.1).

ClinVar aggregate classification (germline): Uncertain significance (1 of 4 stars; one submission).

Conditions:
Tuberous sclerosis 1 (TSC1). Identifiers: Orphanet 805, MedGen C1854465, MONDO:0008612, OMIM 191100.

Submission:

Labcorp Genetics (formerly Invitae), Labcorp
Classification: Uncertain significance for Tuberous sclerosis 1. Last evaluated: 2019-08-11. Review status: criteria provided, single submitter. Criteria: Invitae Variant Classification Sherloc (09022015). Collection method: clinical testing. Allele origin: germline.
Comment: This variant results in a copy number gain of the genomic region encompassing the full coding sequence of the TSC1 gene. The boundaries of this event are unknown as they extend beyond the assayed region for this gene and therefore may encompass additional genes. As the precise location of this event is unknown, it may be in tandem or it may be located elsewhere in the genome. This variant has not been reported in the literature in individuals with TSC1-related disease. In summary, the available evidence is currently insufficient to determine the role of this variant in disease. Therefore, it has been classified as a Variant of Uncertain Significance.